The following is an entry in ClinVar:

ClinVar aggregate classification (germline): Uncertain significance. Review status: criteria provided, multiple submitters, no conflicts (2 of 4 stars). 3 submissions from 3 submitters: Uncertain significance (3). Last evaluated 2025-04-21.

Conditions:
Inborn genetic diseases. Identifiers: MedGen C0950123, MeSH D030342.

Allele frequency attached by ClinVar (database versions not stated): gnomAD exomes 0.00003; ExAC 0.00006; gnomAD 0.00003.
gnomAD v4.1: 92 of 1,508,092 alleles (0.0061%); highest among the groups gnomAD compares: Middle Eastern, 0.018%; no homozygotes.

Submissions (3):

Mayo Clinic Laboratories, Mayo Clinic
Classification: Uncertain significance. Last evaluated: 2025-04-21. Review status: criteria provided, single submitter. Criteria: ACMG Guidelines, 2015. Collection method: clinical testing. Allele origin: germline. Observed: 1 variant allele.
Comment: BP4

Ambry Genetics
Classification: Uncertain significance for Inborn genetic diseases. Last evaluated: 2024-04-17. Review status: criteria provided, single submitter. Criteria: Ambry Variant Classification Scheme 2023. Collection method: clinical testing. Allele origin: germline.

Genetic Services Laboratory, University of Chicago
Classification: Uncertain significance. Last evaluated: 2021-07-26. Review status: criteria provided, single submitter. Criteria: ACMG Guidelines, 2015. Collection method: clinical testing. Allele origin: germline. Affected: no.
Comment: DNA sequence analysis of the VWF gene demonstrated a sequence change, c.3191C>A, in exon 24 that results in an amino acid change, p.Thr1064Asn. This sequence change has been described in the gnomAD database with a frequency of 0.0071% in the non-Finnish European subpopulation (dbSNP rs143024162). The p.Thr1064Asn change affects a moderately conserved amino acid residue located in a domain of the VWF protein that is known to be functional. The p.Thr1064Asn substitution appears to be benign using several in-silico pathogenicity prediction tools (SIFT, PolyPhen2, Align GVGD, REVEL). This sequence change does not appear to have been previously described in individuals with VWF-related disorders. Due insufficient evidences and the lack of functional studies, the clinical significance of the p.Thr1064Asn change remains unknown at this time.

NM_000552.5(VWF):c.3191C>A (p.Thr1064Asn)

Gene: VWF (von Willebrand factor; minus strand). Cytogenetic location: 12p13.31.
Variant type: single nucleotide variant.
Coding change: c.3191C>A on transcript NM_000552.5 (MANE Select); coding-DNA position 3191, C replaced by A.
Protein change: p.Thr1064Asn; replaces threonine 1064 with asparagine.
Molecular consequence: missense variant.
Genome position (GRCh38, 1-based): chr12:6,025,611, G>T on the plus strand (C>A on the coding strand, the complement: VWF is on the minus strand). VCF-style: chr12-6025611-G-T. GRCh37 (hg19) VCF-style: chr12-6134777-G-T.
Other names: p.Thr1064Asn; c.3191C>A (NM_000552.3); short protein forms T1064N.
Identifiers: ClinVar variation 1338008 (VCV001338008.6), dbSNP rs143024162, ClinGen allele CA6402818.
Genomic context (GRCh38, chr12:6,025,611, plus strand): 5'-CTGCTTCCCACTACCCTCAAGGTCCTCACCAGCTTGTTGCAGTCCTGGAAGACGTCACTG[G>T]TAAGGATTCTACAGGAGGAATCCACCATCGTCTGCTTCATGATGTTGTTATGGCAGGTGG-3'
Protein context (NP_000543.3, residues 1054-1074): TMVDSSCRIL[Thr1064Asn]SDVFQDCNKL